The following is an entry in ClinVar:

ClinVar aggregate classification (germline): Uncertain significance (1 of 4 stars; one submission).

Allele frequency attached by ClinVar (database versions not stated): ExAC 0.00004.
gnomAD v4.1: 27 of 1,569,796 alleles (0.0017%); highest among the groups gnomAD compares: East Asian, 0.0046%; no homozygotes.

Submission:

Labcorp Genetics (formerly Invitae), Labcorp
Classification: Uncertain significance. Last evaluated: 2025-07-07. Review status: criteria provided, single submitter. Criteria: Invitae Variant Classification Sherloc (09022015). Collection method: clinical testing. Allele origin: germline.
Comment: This sequence change replaces arginine, which is basic and polar, with tryptophan, which is neutral and slightly polar, at codon 444 of the TUBGCP6 protein (p.Arg444Trp). The frequency data for this variant in the population databases is considered unreliable, as metrics indicate poor data quality at this position in the gnomAD database. This variant has not been reported in the literature in individuals affected with TUBGCP6-related conditions. ClinVar contains an entry for this variant (Variation ID: 1896609). An algorithm developed to predict the effect of missense changes on protein structure and function (PolyPhen-2) suggests that this variant is likely to be disruptive. In summary, the available evidence is currently insufficient to determine the role of this variant in disease. Therefore, it has been classified as a Variant of Uncertain Significance.

NM_020461.4(TUBGCP6):c.1330C>T (p.Arg444Trp)

Gene: TUBGCP6 (tubulin gamma complex component 6; minus strand). Cytogenetic location: 22q13.33.
Variant type: single nucleotide variant.
Coding change: c.1330C>T on transcript NM_020461.4 (MANE Select); coding-DNA position 1330, C replaced by T.
Protein change: p.Arg444Trp; replaces arginine 444 with tryptophan.
Molecular consequence: missense variant.
Genome position (GRCh38, 1-based): chr22:50,227,989, G>A on the plus strand (C>T on the coding strand, the complement: TUBGCP6 is on the minus strand). VCF-style: chr22-50227989-G-A. GRCh37 (hg19) VCF-style: chr22-50666418-G-A.
Other names: short protein forms R444W.
Identifiers: ClinVar variation 1896609 (VCV001896609.3), dbSNP rs745791584, ClinGen allele CA10308736.